The following is an entry in ClinVar:

NM_020163.3(SEMA3G):c.340-7C>T

Gene: SEMA3G (semaphorin 3G; minus strand). Cytogenetic location: 3p21.1.
Variant type: single nucleotide variant.
Coding change: c.340-7C>T on transcript NM_020163.3 (MANE Select); 7 bases into the intron before coding-DNA position 340, C replaced by T.
Molecular consequence: intron variant.
Genome position (GRCh38, 1-based): chr3:52,442,311, G>A on the plus strand (C>T on the coding strand, the complement: SEMA3G is on the minus strand). VCF-style: chr3-52442311-G-A. GRCh37 (hg19) VCF-style: chr3-52476327-G-A.
Identifiers: ClinVar variation 3050039 (VCV003050039.2), dbSNP rs1362754804, ClinGen allele CA542905741.

ClinVar aggregate classification (germline): Likely benign (0 of 4 stars; one submission).

Conditions:
SEMA3G-related disorder. Also called: SEMA3G-related condition.

Allele frequency attached by ClinVar (database versions not stated): gnomAD exomes 0.00001.
gnomAD v4.1: 3 of 1,613,526 alleles (0.00019%); highest among the groups gnomAD compares: Admixed American, 0.005%; no homozygotes.

Submission:

PreventionGenetics, part of Exact Sciences
Classification: Likely benign for SEMA3G-related condition. Last evaluated: 2022-06-09. Review status: no assertion criteria provided. Collection method: clinical testing. Allele origin: germline.
Comment: This variant is classified as likely benign based on ACMG/AMP sequence variant interpretation guidelines (Richards et al. 2015 PMID: 25741868, with internal and published modifications).